The following is an entry in ClinVar:

ClinVar aggregate classification (germline): Uncertain significance (1 of 4 stars; one submission).

Allele frequency attached by ClinVar (database versions not stated): gnomAD 0.00001; TOPMed 0.00001; ExAC 0.00002.
gnomAD v4.1: 24 of 1,588,064 alleles (0.0015%); highest among the groups gnomAD compares: East Asian, 0.054%; no homozygotes.

Submission:

Labcorp Genetics (formerly Invitae), Labcorp
Classification: Uncertain significance. Last evaluated: 2022-08-23. Review status: criteria provided, single submitter. Criteria: Invitae Variant Classification Sherloc (09022015). Collection method: clinical testing. Allele origin: germline.
Comment: In summary, the available evidence is currently insufficient to determine the role of this variant in disease. Therefore, it has been classified as a Variant of Uncertain Significance. Algorithms developed to predict the effect of missense changes on protein structure and function (SIFT, PolyPhen-2, Align-GVGD) all suggest that this variant is likely to be disruptive. ClinVar contains an entry for this variant (Variation ID: 1365764). This variant has not been reported in the literature in individuals affected with MPDZ-related conditions. This variant is present in population databases (rs752997441, gnomAD 0.04%). This sequence change replaces glycine, which is neutral and non-polar, with arginine, which is basic and polar, at codon 1342 of the MPDZ protein (p.Gly1342Arg).

NM_001378778.1(MPDZ):c.4024G>A (p.Gly1342Arg)

Gene: MPDZ (multiple PDZ domain crumbs cell polarity complex component; minus strand). Cytogenetic location: 9p23.
Variant type: single nucleotide variant.
Coding change: c.4024G>A on transcript NM_001378778.1 (MANE Select); coding-DNA position 4024, G replaced by A.
Protein change: p.Gly1342Arg; replaces glycine 1342 with arginine.
Molecular consequence: missense variant.
Genome position (GRCh38, 1-based): chr9:13,138,133, C>T on the plus strand (G>A on the coding strand, the complement: MPDZ is on the minus strand). VCF-style: chr9-13138133-C-T. GRCh37 (hg19) VCF-style: chr9-13138132-C-T.
Other names: c.3925G>A, p.Gly1309Arg (NM_001261406.2, NM_001261407.2, NM_001375416.1 and 3 more transcripts); c.4024G>A, p.Gly1342Arg (NM_001330637.2, NM_001375413.1, NM_003829.5); c.3814G>A, p.Gly1272Arg (NM_001375420.1, NM_001375421.1, NM_001375422.1 and 4 more transcripts); c.3616G>A, p.Gly1206Arg (NM_001375427.1); short protein forms G1272R, G1309R, G1206R, G1342R.
Identifiers: ClinVar variation 1365764 (VCV001365764.8), dbSNP rs752997441, ClinGen allele CA4986849.
Genomic context (GRCh38, chr9:13,138,133, plus strand): 5'-GGCCCAAACCACTATGACCTTTCTCCAGTTCAATCATATGCAGCTCGCCTGTTAGGGTTC[C>T]ATAACGCTCTCTGATATTTTCTACATACAACAACAACAACAAATACATATTTACAGTTAA-3'
Protein context (NP_001365707.1, residues 1332-1352): YSWKNIRERY[Gly1342Arg]TLTGELHMIE